The following is an entry in ClinVar:

NM_024685.4(BBS10):c.1072T>C (p.Ser358Pro)

Gene: BBS10 (Bardet-Biedl syndrome 10; minus strand). Cytogenetic location: 12q21.2.
Variant type: single nucleotide variant.
Coding change: c.1072T>C on transcript NM_024685.4 (MANE Select); coding-DNA position 1072, T replaced by C.
Protein change: p.Ser358Pro; replaces serine 358 with proline.
Molecular consequence: missense variant.
Genome position (GRCh38, 1-based): chr12:76,346,913, A>G on the plus strand (T>C on the coding strand, the complement: BBS10 is on the minus strand). VCF-style: chr12-76346913-A-G. GRCh37 (hg19) VCF-style: chr12-76740693-A-G.
Other names: c.1072T>C (NM_024685.3); short protein forms S358P.
Identifiers: ClinVar variation 2415979 (VCV002415979.6), dbSNP rs748933585, ClinGen allele CA6694232.

ClinVar aggregate classification (germline): Uncertain significance. Review status: criteria provided, multiple submitters, no conflicts (2 of 4 stars). 2 submissions from 2 submitters: Uncertain significance (2). Last evaluated 2025-05-20.

Conditions:
Inborn genetic diseases. Identifiers: MedGen C0950123, MeSH D030342.
Bardet-Biedl syndrome (BBS). Identifiers: Orphanet 110, MedGen C0752166, MONDO:0015229.

Allele frequency attached by ClinVar (database versions not stated): gnomAD exomes below 0.00001; TOPMed below 0.00001; ExAC 0.00001.
gnomAD v4.1: 3 of 1,612,590 alleles (0.00019%); highest among the groups gnomAD compares: Middle Eastern, 0.017%; no homozygotes.

Submissions (2):

Ambry Genetics
Classification: Uncertain significance for Inborn genetic diseases. Last evaluated: 2025-05-20. Review status: criteria provided, single submitter. Criteria: Ambry Variant Classification Scheme 2023. Collection method: clinical testing. Allele origin: germline.

Labcorp Genetics (formerly Invitae), Labcorp
Classification: Uncertain significance for Bardet-Biedl syndrome. Last evaluated: 2024-12-16. Review status: criteria provided, single submitter. Criteria: Invitae Variant Classification Sherloc (09022015). Collection method: clinical testing. Allele origin: germline.
Comment: This sequence change replaces serine, which is neutral and polar, with proline, which is neutral and non-polar, at codon 358 of the BBS10 protein (p.Ser358Pro). This variant is present in population databases (rs748933585, gnomAD 0.003%). This variant has not been reported in the literature in individuals affected with BBS10-related conditions. ClinVar contains an entry for this variant (Variation ID: 2415979). Invitae Evidence Modeling of protein sequence and biophysical properties (such as structural, functional, and spatial information, amino acid conservation, physicochemical variation, residue mobility, and thermodynamic stability) indicates that this missense variant is not expected to disrupt BBS10 protein function with a negative predictive value of 80%. In summary, the available evidence is currently insufficient to determine the role of this variant in disease. Therefore, it has been classified as a Variant of Uncertain Significance.